The following is an entry in ClinVar:

NM_004360.5(CDH1):c.24_25delinsGC (p.Ser9Pro)

Gene: CDH1 (cadherin 1; plus strand). Cytogenetic location: 16q22.1.
Variant type: Indel.
Coding change: c.24_25delinsGC on transcript NM_004360.5 (MANE Select); coding-DNA positions 24 to 25, CT replaced by GC.
Protein change: p.Ser9Pro; replaces serine 9 with proline.
Molecular consequence: missense variant. On other transcripts: 5 prime UTR variant (2).
Genome position (GRCh38, 1-based): chr16:68,737,439-68,737,440, CT replaced by GC. VCF-style: chr16-68737439-CT-GC. GRCh37 (hg19) VCF-style: chr16-68771342-CT-GC.
Other names: c.24_25delinsGC, p.Ser9Pro (NM_001317184.2); c.-1592_-1591delinsGC (NM_001317185.2); c.-1796_-1795delinsGC (NM_001317186.2); short protein forms S9P.
Identifiers: ClinVar variation 133844 (VCV000133844.1), dbSNP rs587778169, ClinGen allele CA157945.

ClinVar aggregate classification (germline): not provided (0 of 4 stars; one submission).

Submission:

ITMI
No classification provided. Condition: AllHighlyPenetrant. Last evaluated: 2013-09-19. Review status: no classification provided. Collection method: reference population. Allele origin: germline.
Comment: Please see associated publication for description of ethnicities

Literature cited by the submitters: PubMed 24728327.